The following is an entry in ClinVar:

NM_025179.4(PLXNA2):c.752G>A (p.Gly251Asp)

Gene: PLXNA2 (plexin A2; minus strand). Cytogenetic location: 1q32.2.
Variant type: single nucleotide variant.
Coding change: c.752G>A on transcript NM_025179.4 (MANE Select); coding-DNA position 752, G replaced by A.
Protein change: p.Gly251Asp; replaces glycine 251 with aspartic acid.
Molecular consequence: missense variant.
Genome position (GRCh38, 1-based): chr1:208,217,171, C>T on the plus strand (G>A on the coding strand, the complement: PLXNA2 is on the minus strand). VCF-style: chr1-208217171-C-T. GRCh37 (hg19) VCF-style: chr1-208390516-C-T.
Other names: short protein forms G251D.
Identifiers: ClinVar variation 2634766 (VCV002634766.2), dbSNP rs143119210, ClinGen allele CA1374030.
Genomic context (GRCh38, chr1:208,217,171, plus strand): 5'-GCGGAGTTGATGGCCACACCCTCAGGGGTCTCGGGCTGGACAGTGAGAAAGTAGACAAAG[C>T]CCCCACTAGCAAAGCCGTAGATGTAGAAGATGTCAAAGTGGGAGACCAGGGCCAGGGTGT-3'
Protein context (NP_079455.3, residues 241-261): IFYIYGFASG[Gly251Asp]FVYFLTVQPE

ClinVar aggregate classification (germline): Uncertain significance (0 of 4 stars; one submission).

Conditions:
PLXNA2-related disorder. Also called: PLXNA2-related condition.

gnomAD v4.1: 21 of 1,613,998 alleles (0.0013%); highest among the groups gnomAD compares: South Asian, 0.02%; 1 homozygote.

Submission:

PreventionGenetics, part of Exact Sciences
Classification: Uncertain significance for PLXNA2-related condition. Last evaluated: 2024-08-07. Review status: no assertion criteria provided. Collection method: clinical testing. Allele origin: germline.
Comment: The PLXNA2 c.752G>A variant is predicted to result in the amino acid substitution p.Gly251Asp. To our knowledge, this variant has not been reported in the literature. This variant is reported in 0.0065% of alleles in individuals of South Asian descent in gnomAD. At this time, the clinical significance of this variant is uncertain due to the absence of conclusive functional and genetic evidence.